The following is an entry in ClinVar:

ClinVar aggregate classification (germline): Pathogenic. Review status: criteria provided, single submitter (1 of 4 stars). 2 submissions from 2 submitters: Pathogenic (1). 1 of the submissions does not count toward it. Last evaluated 2018-11-20.

Conditions:
Myoglobinuria, acute recurrent, autosomal recessive. Also called: MYOGLOBINURIA, FAMILIAL PAROXYSMAL PARALYTIC; Myoglobinuria, recurrent, autosomal recessive; RHABDOMYOLYSIS, ACUTE RECURRENT. Identifiers: Orphanet 99845, MedGen C1849386, MONDO:0009992, OMIM 268200.

Allele frequency attached by ClinVar (database versions not stated): TOPMed 0.00001.
gnomAD v4.1: 26 of 1,612,616 alleles (0.0016%); highest among the groups gnomAD compares: East Asian, 0.0045%; no homozygotes.

Submissions (2):

GeneDx
Classification: Pathogenic. Last evaluated: 2018-11-20. Review status: criteria provided, single submitter. Criteria: GeneDx Variant Classification (06012015). Collection method: clinical testing. Allele origin: germline. Affected: yes.
Comment: The R801X variant in the LPIN1 gene has been reported previously using alternate nomenclature R800X in an individual with myoglobinuria who was compound heterozygous for this variant and a deletion of exons 18 and 19 (Zeharia et al., 2008; Michot et al., 2010). This variant is predicted to cause loss of normal protein function either through protein truncation or nonsense-mediated mRNA decay. The R801X variant is not observed at a significant frequency in large population cohorts (Lek et al., 2016). We interpret R801X as a pathogenic variant.

OMIM
Classification: Pathogenic for MYOGLOBINURIA, RECURRENT, AUTOSOMAL RECESSIVE. Last evaluated: 2008-10-01. Review status: no assertion criteria provided. Collection method: literature only. Allele origin: germline. Not counted in ClinVar's aggregate classification.

Literature cited by the submitters: PubMed 18817903 (cited by OMIM).

NM_001349206.2(LPIN1):c.2509C>T (p.Arg837Ter)

Gene: LPIN1 (lipin 1; plus strand). Cytogenetic location: 2p25.1.
Variant type: single nucleotide variant.
Coding change: c.2509C>T on transcript NM_001349206.2 (MANE Select); coding-DNA position 2509, C replaced by T.
Protein change: p.Arg837Ter; replaces arginine 837 with a stop codon.
Molecular consequence: nonsense. On other transcripts: non-coding transcript variant (1).
Genome position (GRCh38, 1-based): chr2:11,819,590, C>T. VCF-style: chr2-11819590-C-T. GRCh37 (hg19) VCF-style: chr2-11959716-C-T.
Other names: c.2419C>T, p.Arg807Ter (NM_001261427.3); c.2656C>T, p.Arg886Ter (NM_001261428.3); c.2401C>T, p.Arg801Ter (NM_001349199.2, NM_145693.4); c.2479C>T, p.Arg827Ter (NM_001349200.2, NM_001349201.2); c.2506C>T, p.Arg836Ter (NM_001349202.2, NM_001349203.2); c.2509C>T, p.Arg837Ter (NM_001349204.2, NM_001349205.2); c.2599C>T, p.Arg867Ter (NM_001349207.2); c.2548C>T, p.Arg850Ter (NM_001349208.2); short protein forms R801*, R827*, R836*, R837*, R886*, R807*, R867*, R850*.
Identifiers: ClinVar variation 4912 (VCV000004912.2), dbSNP rs119480073, ClinGen allele CA117143.
Genomic context (GRCh38, chr2:11,819,590, plus strand): 5'-ACAGACATCAAAAACCTGTTTTTCCCCAACACAGAACCCTTTTATGCTGCTTTTGGAAAC[C>T]GACCAGCTGTAAGTAGTAGATTGGGTATAGAAGAACCCTTGAAATGACTGCCTTTTCTGG-3'